The following is an entry in ClinVar:

ClinVar aggregate classification (germline): Uncertain significance (1 of 4 stars; one submission).

Conditions:
Cardiovascular phenotype. Identifiers: MedGen CN230736.

Submission:

Ambry Genetics
Classification: Uncertain significance for Cardiovascular phenotype. Last evaluated: 2025-04-02. Review status: criteria provided, single submitter. Criteria: Ambry Variant Classification Scheme 2023. Collection method: clinical testing. Allele origin: germline.
Comment: The p.E480* variant (also known as c.1438G>T), located in coding exon 23 of the TRDN gene, results from a G to T substitution at nucleotide position 1438. This changes the amino acid from a glutamic acid to a stop codon within coding exon 23. This alteration is expected to result in loss of function by premature protein truncation or nonsense-mediated mRNA decay. However, this alteration does not impact the predominant cardiac isoform of TRDN (NM_001256021.1; Kobayashi YM et al. J. Biol. Chem., 1999 Oct;274:28660-8). Since supporting evidence is limited at this time, the clinical significance of this alteration remains unclear.

NM_006073.4(TRDN):c.1438G>T (p.Glu480Ter)

Gene: TRDN (triadin; minus strand). Cytogenetic location: 6q22.31.
Variant type: single nucleotide variant.
Coding change: c.1438G>T on transcript NM_006073.4 (MANE Select); coding-DNA position 1438, G replaced by T.
Protein change: p.Glu480Ter; replaces glutamic acid 480 with a stop codon.
Molecular consequence: nonsense.
Genome position (GRCh38, 1-based): chr6:123,331,912, C>A on the plus strand (G>T on the coding strand, the complement: TRDN is on the minus strand). VCF-style: chr6-123331912-C-A. GRCh37 (hg19) VCF-style: chr6-123653057-C-A.
Other names: short protein forms E480*.
Identifiers: ClinVar variation 3973112 (VCV003973112.1).
Genomic context (GRCh38, chr6:123,331,912, plus strand): 5'-GCTTCACATTTCATTGTATAATATTACCTTTTTCCTTTAGGGAAGCTGGAACTTTCTCTT[C>A]TTTCCCTTTAATAGGTTCTGAAAAGAAACATCGGACATTTATTTGAAGCCAAGACAAAGA-3'